The following is an entry in ClinVar:

ClinVar aggregate classification (germline): Likely pathogenic (1 of 4 stars; one submission).

Conditions:
Long QT syndrome 1 (LQT1). Identifiers: Orphanet 101016, Orphanet 768, MedGen C4551647, MONDO:0100316, OMIM 192500, MONDO:0008646.

Submission:

Center for Medical Genetics Ghent, University of Ghent
Classification: Likely pathogenic for Long QT syndrome 1. Last evaluated: 2016-01-01. Review status: criteria provided, single submitter. Criteria: ACMG Guidelines, 2015. Collection method: clinical testing. Allele origin: germline. Affected: yes.
Comment: This variant has not been identified in large population databases (Gnomad, 1000 Genomes, Go NL, Exome Variant Server) and is predicted to have an impact on protein function according to multiple prediction programs. The variant segregates with disease in 17 family members.

NM_000218.3(KCNQ1):c.349C>T (p.Pro117Ser)

Gene: KCNQ1 (potassium voltage-gated channel subfamily Q member 1; plus strand). Cytogenetic location: 11p15.5.
Variant type: single nucleotide variant.
Coding change: c.349C>T on transcript NM_000218.3 (MANE Select); coding-DNA position 349, C replaced by T.
Protein change: p.Pro117Ser; replaces proline 117 with serine.
Molecular consequence: missense variant.
Genome position (GRCh38, 1-based): chr11:2,445,447, C>T. VCF-style: chr11-2445447-C-T. GRCh37 (hg19) VCF-style: chr11-2466677-C-T.
Other names: short protein forms P117S.
Identifiers: ClinVar variation 254159 (VCV000254159.2), dbSNP rs886037906, ClinGen allele CA10586353.